The following is an entry in ClinVar:

ClinVar aggregate classification (germline): Uncertain significance (1 of 4 stars; one submission).

Conditions:
Long QT syndrome (LQTS). Identifiers: MedGen C0023976, MeSH D008133, MONDO:0002442. Disease mechanism: loss of function. Inheritance: Various modes of inheritance.

Allele frequency attached by ClinVar (database versions not stated): gnomAD exomes 0.00001; TOPMed 0.00001.
gnomAD v4.1: 8 of 1,613,980 alleles (0.0005%); highest among the groups gnomAD compares: Non-Finnish European, 0.00068%; no homozygotes.

Submission:

Labcorp Genetics (formerly Invitae), Labcorp
Classification: Uncertain significance for Long QT syndrome. Last evaluated: 2021-09-02. Review status: criteria provided, single submitter. Criteria: Invitae Variant Classification Sherloc (09022015). Collection method: clinical testing. Allele origin: germline.
Comment: This sequence change replaces aspartic acid with asparagine at codon 367 of the CACNA1C protein (p.Asp367Asn). The aspartic acid residue is highly conserved and there is a small physicochemical difference between aspartic acid and asparagine. This variant is not present in population databases (ExAC no frequency). This variant has not been reported in the literature in individuals affected with CACNA1C-related conditions. Algorithms developed to predict the effect of missense changes on protein structure and function are either unavailable or do not agree on the potential impact of this missense change (SIFT: "Deleterious"; PolyPhen-2: "Possibly Damaging"; Align-GVGD: "Class C0"). In summary, the available evidence is currently insufficient to determine the role of this variant in disease. Therefore, it has been classified as a Variant of Uncertain Significance.

NM_000719.7(CACNA1C):c.1099G>A (p.Asp367Asn)

Gene: CACNA1C (calcium voltage-gated channel subunit alpha1 C; plus strand). Cytogenetic location: 12p13.33.
Variant type: single nucleotide variant.
Coding change: c.1099G>A on transcript NM_000719.7 (MANE Select); coding-DNA position 1099, G replaced by A.
Protein change: p.Asp367Asn; replaces aspartic acid 367 with asparagine.
Molecular consequence: missense variant.
Genome position (GRCh38, 1-based): chr12:2,493,372, G>A. VCF-style: chr12-2493372-G-A. GRCh37 (hg19) VCF-style: chr12-2602538-G-A.
Other names: c.1099G>A, p.Asp367Asn (NM_001129827.2, NM_001129829.2, NM_001129830.3 and 18 more transcripts); c.1090G>A, p.Asp364Asn (NM_001129844.2); short protein forms D364N, D367N.
Identifiers: ClinVar variation 1523244 (VCV001523244.5), dbSNP rs1010239242, ClinGen allele CA231597720.
Genomic context (GRCh38, chr12:2,493,372, plus strand): 5'-GACAACTTTGCCTTCGCCATGCTCACGGTGTTCCAGTGCATCACCATGGAGGGCTGGACG[G>A]ACGTGCTGTACTGGGTACGTAGCATGAGTGGGCAGTCAGAGGGTGGGGGAACAGCGGCCG-3'
Protein context (NP_000710.5, residues 357-377): FQCITMEGWT[Asp367Asn]VLYWVNDAVG